The following is an entry in ClinVar:

ClinVar aggregate classification (germline): Uncertain significance. Review status: criteria provided, multiple submitters, no conflicts (2 of 4 stars). 2 submissions from 2 submitters: Uncertain significance (2). Last evaluated 2025-06-26.

Conditions:
Hereditary spastic paraplegia 30. Identifiers: Orphanet 101010, MedGen C5235139, MONDO:0012476.
Neuropathy, hereditary sensory, type 2C. Also called: Hereditary sensory and autonomic neuropathy type IIC; KIF1A-Related HSAN2 (HSAN2C). Identifiers: Orphanet 970, MedGen C3280168, MONDO:0013634, OMIM 614213.
Intellectual disability, autosomal dominant 9 (NESCAVS). Also called: NESCAV SYNDROME; KIF1A-Related Neurodevelopmental Disorder. Identifiers: Orphanet 662367, MedGen C5393830, MONDO:0013656, OMIM 614255.

Allele frequency attached by ClinVar (database versions not stated): gnomAD exomes below 0.00001.
gnomAD v4.1: 3 of 1,613,502 alleles (0.00019%); highest among the groups gnomAD compares: Non-Finnish European, 0.00025%; no homozygotes.

Submissions (2):

GeneDx
Classification: Uncertain significance. Last evaluated: 2025-06-26. Review status: criteria provided, single submitter. Criteria: GeneDx Variant Classification Process June 2021. Collection method: clinical testing. Allele origin: germline. Affected: yes.
Comment: Not observed at significant frequency in large population cohorts (gnomAD); In silico analysis supports that this missense variant has a deleterious effect on protein structure/function; Has not been previously published as pathogenic or benign to our knowledge; This variant is associated with the following publications: (PMID: 26125038, 21820098, 21376300)

Labcorp Genetics (formerly Invitae), Labcorp
Classification: Uncertain significance for Hereditary spastic paraplegia 30; Neuropathy, hereditary sensory, type 2C; Intellectual disability, autosomal dominant 9. Last evaluated: 2022-09-23. Review status: criteria provided, single submitter. Criteria: Invitae Variant Classification Sherloc (09022015). Collection method: clinical testing. Allele origin: germline.
Comment: This sequence change replaces arginine, which is basic and polar, with histidine, which is basic and polar, at codon 155 of the KIF1A protein (p.Arg155His). This variant is not present in population databases (gnomAD no frequency). This variant has not been reported in the literature in individuals affected with KIF1A-related conditions. Advanced modeling of protein sequence and biophysical properties (such as structural, functional, and spatial information, amino acid conservation, physicochemical variation, residue mobility, and thermodynamic stability) performed at Invitae indicates that this missense variant is expected to disrupt KIF1A protein function. In summary, the available evidence is currently insufficient to determine the role of this variant in disease. Therefore, it has been classified as a Variant of Uncertain Significance.

NM_001244008.2(KIF1A):c.464G>A (p.Arg155His)

Gene: KIF1A (kinesin family member 1A; minus strand). Cytogenetic location: 2q37.3.
Variant type: single nucleotide variant.
Coding change: c.464G>A on transcript NM_001244008.2 (MANE Select); coding-DNA position 464, G replaced by A.
Protein change: p.Arg155His; replaces arginine 155 with histidine.
Molecular consequence: missense variant.
Genome position (GRCh38, 1-based): chr2:240,786,479, C>T on the plus strand (G>A on the coding strand, the complement: KIF1A is on the minus strand). VCF-style: chr2-240786479-C-T. GRCh37 (hg19) VCF-style: chr2-241725896-C-T.
Other names: c.464G>A, p.Arg155His (NM_001320705.2, NM_001330289.2, NM_001330290.2 and 21 more transcripts); c.464G>A (NM_004321.6); short protein forms R155H.
Identifiers: ClinVar variation 1720150 (VCV001720150.7), dbSNP rs2538354351, ClinGen allele CA351306837.
Genomic context (GRCh38, chr2:240,786,479, plus strand): 5'-CCCAGCAGTGGGTGCTCCCTCACGCGAAGGTTGCCCTTGTTCTTGGGGTTCAGGAGGTCA[C>T]GGACGCGCTCACAGTAAATCTCCATGTAGCTGACCTGCAGGGCAGAGCCAGGCCATCAGG-3'
Protein context (NP_001230937.1, residues 145-165): SYMEIYCERV[Arg155His]DLLNPKNKGN